The following is an entry in ClinVar:

NM_001205293.3(CACNA1E):c.4280A>G (p.Gln1427Arg)

Gene: CACNA1E (calcium voltage-gated channel subunit alpha1 E; plus strand). Cytogenetic location: 1q25.3.
Variant type: single nucleotide variant.
Coding change: c.4280A>G on transcript NM_001205293.3 (MANE Select); coding-DNA position 4280, A replaced by G.
Protein change: p.Gln1427Arg; replaces glutamine 1427 with arginine.
Molecular consequence: missense variant.
Genome position (GRCh38, 1-based): chr1:181,757,077, A>G. VCF-style: chr1-181757077-A-G. GRCh37 (hg19) VCF-style: chr1-181726213-A-G.
Other names: c.4280A>G, p.Gln1427Arg (NM_000721.4); c.4223A>G, p.Gln1408Arg (NM_001205294.2); short protein forms Q1408R, Q1427R.
Identifiers: ClinVar variation 3633681 (VCV003633681.2).

ClinVar aggregate classification (germline): Uncertain significance (1 of 4 stars; one submission).

Submission:

Labcorp Genetics (formerly Invitae), Labcorp
Classification: Uncertain significance. Last evaluated: 2024-09-17. Review status: criteria provided, single submitter. Criteria: Invitae Variant Classification Sherloc (09022015). Collection method: clinical testing. Allele origin: germline.
Comment: This sequence change replaces glutamine, which is neutral and polar, with arginine, which is basic and polar, at codon 1427 of the CACNA1E protein (p.Gln1427Arg). This variant is not present in population databases (gnomAD no frequency). This variant has not been reported in the literature in individuals affected with CACNA1E-related conditions. Invitae Evidence Modeling of protein sequence and biophysical properties (such as structural, functional, and spatial information, amino acid conservation, physicochemical variation, residue mobility, and thermodynamic stability) has been performed for this missense variant. However, the output from this modeling did not meet the statistical confidence thresholds required to predict the impact of this variant on CACNA1E protein function. In summary, the available evidence is currently insufficient to determine the role of this variant in disease. Therefore, it has been classified as a Variant of Uncertain Significance.